The following is an entry in ClinVar:

NM_006612.6(KIF1C):c.2967G>C (p.Glu989Asp)

Gene: KIF1C (kinesin family member 1C; plus strand). Cytogenetic location: 17p13.2.
Variant type: single nucleotide variant.
Coding change: c.2967G>C on transcript NM_006612.6 (MANE Select); coding-DNA position 2967, G replaced by C.
Protein change: p.Glu989Asp; replaces glutamic acid 989 with aspartic acid.
Molecular consequence: missense variant.
Genome position (GRCh38, 1-based): chr17:5,023,806, G>C. VCF-style: chr17-5023806-G-C. GRCh37 (hg19) VCF-style: chr17-4927101-G-C.
Other names: short protein forms E989D.
Identifiers: ClinVar variation 4688461 (VCV004688461.1).

ClinVar aggregate classification (germline): Uncertain significance (1 of 4 stars; one submission).

gnomAD v4.1: 2 of 1,518,994 alleles (0.00013%); highest among the groups gnomAD compares: African/African-American, 0.0028%; no homozygotes.

Submission:

Women's Health and Genetics/Laboratory Corporation of America, LabCorp
Classification: Uncertain significance. Last evaluated: 2025-12-09. Review status: criteria provided, single submitter. Criteria: LabCorp Variant Classification Summary - May 2015. Collection method: clinical testing. Allele origin: germline.
Comment: Variant summary: KIF1C c.2967G>C (p.Glu989Asp) results in a conservative amino acid change in the encoded protein sequence. Algorithms developed to predict the effect of missense changes on protein structure and function all suggest that this variant is likely to be tolerated. The variant allele was found at a frequency of 1.2e-05 in 170510 control chromosomes. The available data on variant occurrences in the general population are insufficient to allow any conclusion about variant significance. To our knowledge, no occurrence of c.2967G>C in individuals affected with KIF1C-related conditions and no experimental evidence demonstrating its impact on protein function have been reported. No submitters have cited clinical-significance assessments for this variant to ClinVar. Based on the evidence outlined above, the variant was classified as uncertain significance.